The following is an entry in ClinVar:

NM_000080.4(CHRNE):c.189+5G>A

Genes: C17orf107 (chromosome 17 open reading frame 107; plus strand), CHRNE (cholinergic receptor nicotinic epsilon subunit; minus strand). Cytogenetic location: 17p13.2.
Variant type: single nucleotide variant.
Coding change: c.189+5G>A on transcript NM_000080.4 (MANE Select); 5 bases into the intron after coding-DNA position 189, G replaced by A.
Molecular consequence: intron variant. On other transcripts: 3 prime UTR variant (1).
Genome position (GRCh38, 1-based): chr17:4,902,616, C>T on the plus strand (G>A on the coding strand, the complement: CHRNE is on the minus strand). VCF-style: chr17-4902616-C-T. GRCh37 (hg19) VCF-style: chr17-4805911-C-T.
Other names: c.*2083C>T (NM_001145536.2).
Identifiers: ClinVar variation 939869 (VCV000939869.6), dbSNP rs906477326, ClinGen allele CA287187056.

ClinVar aggregate classification (germline): Uncertain significance. Review status: criteria provided, single submitter (1 of 4 stars). 2 submissions from 2 submitters: Uncertain significance (1). 1 of the submissions does not count toward it. Last evaluated 2024-11-23.

Conditions:
Congenital myasthenic syndrome (CMS). Also called: Congenital Myasthenic Syndromes. Identifiers: Orphanet 590, MedGen C0751882, MeSH D020294, MONDO:0018940.
Congenital myasthenic syndrome 4A. Also called: Myasthenic syndrome, congenital, 4a, slow-channel; CONGENITAL MYASTHENIC SYNDROME TYPE Ia1; MYASTHENIC SYNDROME, CONGENITAL, 4A, SLOW-CHANNEL, AUTOSOMAL RECESSIVE. Identifiers: Orphanet 590, MedGen C4225413, MONDO:0011600, OMIM 605809.

Allele frequency attached by ClinVar (database versions not stated): gnomAD exomes below 0.00001; gnomAD 0.00003; TOPMed 0.00005.
gnomAD v4.1: 5 of 1,613,962 alleles (0.00031%); highest among the groups gnomAD compares: African/African-American, 0.0067%; no homozygotes.

Submissions (2):

Labcorp Genetics (formerly Invitae), Labcorp
Classification: Uncertain significance for Congenital myasthenic syndrome 4A. Last evaluated: 2024-11-23. Review status: criteria provided, single submitter. Criteria: Invitae Variant Classification Sherloc (09022015). Collection method: clinical testing. Allele origin: germline.
Comment: This sequence change falls in intron 2 of the CHRNE gene. It does not directly change the encoded amino acid sequence of the CHRNE protein. It affects a nucleotide within the consensus splice site. This variant is present in population databases (no rsID available, gnomAD 0.008%). This variant has not been reported in the literature in individuals affected with CHRNE-related conditions. ClinVar contains an entry for this variant (Variation ID: 939869). Variants that disrupt the consensus splice site are a relatively common cause of aberrant splicing (PMID: 17576681, 9536098). Algorithms developed to predict the effect of sequence changes on RNA splicing suggest that this variant is not likely to affect RNA splicing. In summary, the available evidence is currently insufficient to determine the role of this variant in disease. Therefore, it has been classified as a Variant of Uncertain Significance.

Natera, Inc.
Classification: Uncertain significance for Congenital myasthenic syndrome. Last evaluated: 2020-10-23. Review status: no assertion criteria provided. Collection method: clinical testing. Allele origin: germline. Not counted in ClinVar's aggregate classification.

Literature cited by the submitters: PubMed 17576681 (cited by Labcorp Genetics (formerly Invitae), Labcorp); PubMed 9536098 (cited by Labcorp Genetics (formerly Invitae), Labcorp).